The following is an entry in ClinVar:

ClinVar aggregate classification (germline): Likely benign (1 of 4 stars; one submission).

Allele frequency attached by ClinVar (database versions not stated): TOPMed 0.03607; gnomAD 0.03664 and 0.04214; 1000 Genomes Project 30x 0.07136; 1000 Genomes Project 0.07827.
gnomAD v4.1: 6,478 of 152,264 alleles (4.3%); highest among the groups gnomAD compares: South Asian, 19%; 240 homozygotes.

Submission:

GeneDx
Classification: Likely benign. Last evaluated: 2018-06-14. Review status: criteria provided, single submitter. Criteria: GeneDx Variant Classification (06012015). Collection method: clinical testing. Allele origin: germline. Affected: yes.
Comment: This variant is considered likely benign or benign based on one or more of the following criteria: it is a conservative change, it occurs at a poorly conserved position in the protein, it is predicted to be benign by multiple in silico algorithms, and/or has population frequency not consistent with disease.

NM_006258.4(PRKG1):c.1962+255A>T

Gene: PRKG1 (protein kinase cGMP-dependent 1; plus strand). Cytogenetic location: 10q21.1.
Variant type: single nucleotide variant.
Coding change: c.1962+255A>T on transcript NM_006258.4 (MANE Select); 255 bases into the intron after coding-DNA position 1962, A replaced by T.
Molecular consequence: intron variant.
Genome position (GRCh38, 1-based): chr10:52,290,545, A>T. VCF-style: chr10-52290545-A-T. GRCh37 (hg19) VCF-style: chr10-54050305-A-T.
Other names: c.1917+255A>T (NM_001098512.3).
Identifiers: ClinVar variation 669680 (VCV000669680.1), dbSNP rs57197814, ClinGen allele CA207401711.